The following is an entry in ClinVar:

ClinVar aggregate classification (germline): Uncertain significance (1 of 4 stars; one submission).

Conditions:
Marfan syndrome (MFS). Also called: MARFAN SYNDROME, TYPE I; Marfan syndrome type 1; Marfan's syndrome; Marfan syndrome, classic; FBN1-Related Marfan Syndrome. Identifiers: Orphanet 284963, Orphanet 558, MedGen C0024796, MONDO:0007947, OMIM 154700.
Familial thoracic aortic aneurysm and aortic dissection (TAAD). Also called: Thoracic aortic aneurysms and dissections. Identifiers: Orphanet 91387, MedGen C4707243, MONDO:0019625.

Submission:

Labcorp Genetics (formerly Invitae), Labcorp
Classification: Uncertain significance for Marfan syndrome; Familial thoracic aortic aneurysm and aortic dissection. Last evaluated: 2023-04-07. Review status: criteria provided, single submitter. Criteria: Invitae Variant Classification Sherloc (09022015). Collection method: clinical testing. Allele origin: germline.
Comment: Algorithms developed to predict the effect of sequence changes on RNA splicing suggest that this variant may disrupt the consensus splice site. In summary, the available evidence is currently insufficient to determine the role of this variant in disease. Therefore, it has been classified as a Variant of Uncertain Significance. Advanced modeling of protein sequence and biophysical properties (such as structural, functional, and spatial information, amino acid conservation, physicochemical variation, residue mobility, and thermodynamic stability) performed at Invitae indicates that this missense variant is expected to disrupt FBN1 protein function. This variant has not been reported in the literature in individuals affected with FBN1-related conditions. This variant is not present in population databases (gnomAD no frequency). This sequence change replaces arginine, which is basic and polar, with leucine, which is neutral and non-polar, at codon 2057 of the FBN1 protein (p.Arg2057Leu).

NM_000138.5(FBN1):c.6170G>T (p.Arg2057Leu)

Gene: FBN1 (fibrillin 1; minus strand). Cytogenetic location: 15q21.1.
Variant type: single nucleotide variant.
Coding change: c.6170G>T on transcript NM_000138.5 (MANE Select); coding-DNA position 6170, G replaced by T.
Protein change: p.Arg2057Leu; replaces arginine 2057 with leucine.
Molecular consequence: missense variant.
Genome position (GRCh38, 1-based): chr15:48,437,911, C>A on the plus strand (G>T on the coding strand, the complement: FBN1 is on the minus strand). VCF-style: chr15-48437911-C-A. GRCh37 (hg19) VCF-style: chr15-48730108-C-A.
Other names: c.6170G>T, p.Arg2057Leu (NM_001406716.1); short protein forms R2057L.
Identifiers: ClinVar variation 2946280 (VCV002946280.3), dbSNP rs181032147, ClinGen allele CA392337324.